The following is an entry in ClinVar:

NM_198282.4(STING1):c.336G>A (p.Ala112=)

Genes: STING1 (stimulator of interferon response cGAMP interactor 1; minus strand), LOC123522803 (Sharpr-MPRA regulatory region 11914; plus strand). Cytogenetic location: 5q31.2.
Variant type: single nucleotide variant.
Coding change: c.336G>A on transcript NM_198282.4 (MANE Select); coding-DNA position 336, G replaced by A.
Protein change: p.Ala112=; no amino-acid change (alanine 112 retained).
Molecular consequence: synonymous variant. On other transcripts: 5 prime UTR variant (1).
Genome position (GRCh38, 1-based): chr5:139,481,234, C>T on the plus strand (G>A on the coding strand, the complement: STING1 is on the minus strand). VCF-style: chr5-139481234-C-T. GRCh37 (hg19) VCF-style: chr5-138860819-C-T.
Other names: c.336G>A, p.Ala112= (NM_001301738.2); c.-22G>A (NM_001367258.1).
Identifiers: ClinVar variation 1007660 (VCV001007660.7), dbSNP rs377104086, ClinGen allele CA3435442.

ClinVar aggregate classification (germline): Uncertain significance (1 of 4 stars; one submission).

Conditions:
STING-associated vasculopathy with onset in infancy. Also called: Sting-associated vasculopathy, infantile-onset. Identifiers: Orphanet 425120, MedGen C4014722, MONDO:0014405, OMIM 615934.

Allele frequency attached by ClinVar (database versions not stated): 1000 Genomes Project 0.00020; TOPMed 0.00020; ESP Exome Variant Server 0.00008; ExAC 0.00006; 1000 Genomes Project 30x 0.00016; gnomAD exomes 0.00006; gnomAD 0.00008.

Submission:

Labcorp Genetics (formerly Invitae), Labcorp
Classification: Uncertain significance for STING-associated vasculopathy with onset in infancy. Last evaluated: 2025-12-29. Review status: criteria provided, single submitter. Criteria: Invitae Variant Classification Sherloc (09022015). Collection method: clinical testing. Allele origin: germline.
Comment: This sequence change affects codon 112 of the TMEM173 mRNA. It is a 'silent' change, meaning that it does not change the encoded amino acid sequence of the TMEM173 protein. This variant is present in population databases (rs377104086, gnomAD 0.009%). This variant has not been reported in the literature in individuals affected with TMEM173-related conditions. ClinVar contains an entry for this variant (Variation ID: 1007660). Algorithms developed to predict the effect of sequence changes on RNA splicing suggest that this variant may create or strengthen a splice site. In summary, the available evidence is currently insufficient to determine the role of this variant in disease. Therefore, it has been classified as a Variant of Uncertain Significance.